The following is an entry in ClinVar:

ClinVar aggregate classification (germline): Likely benign. Review status: criteria provided, single submitter (1 of 4 stars). 2 submissions from 2 submitters: Likely benign (1). 1 of the submissions does not count toward it. Last evaluated 2022-07-06.

Conditions:
NFKB1-related disorder. Also called: NFKB1-related condition.

Allele frequency attached by ClinVar (database versions not stated): gnomAD exomes below 0.00001; gnomAD 0.00002.
gnomAD v4.1: 11 of 1,613,720 alleles (0.00068%); highest among the groups gnomAD compares: African/African-American, 0.004%; no homozygotes.

Submissions (2):

Labcorp Genetics (formerly Invitae), Labcorp
Classification: Likely benign. Last evaluated: 2022-07-06. Review status: criteria provided, single submitter. Criteria: Invitae Variant Classification Sherloc (09022015). Collection method: clinical testing. Allele origin: germline.

PreventionGenetics, part of Exact Sciences
Classification: Likely benign for NFKB1-related condition. Last evaluated: 2023-05-09. Review status: no assertion criteria provided. Collection method: clinical testing. Allele origin: germline. Not counted in ClinVar's aggregate classification.
Comment: This variant is classified as likely benign based on ACMG/AMP sequence variant interpretation guidelines (Richards et al. 2015 PMID: 25741868, with internal and published modifications).

NM_003998.4(NFKB1):c.801G>A (p.Glu267=)

Gene: NFKB1 (nuclear factor kappa B subunit 1; plus strand). Cytogenetic location: 4q24.
Variant type: single nucleotide variant.
Coding change: c.801G>A on transcript NM_003998.4 (MANE Select); coding-DNA position 801, G replaced by A.
Protein change: p.Glu267=; no amino-acid change (glutamic acid 267 retained).
Molecular consequence: synonymous variant.
Genome position (GRCh38, 1-based): chr4:102,580,605, G>A. VCF-style: chr4-102580605-G-A. GRCh37 (hg19) VCF-style: chr4-103501762-G-A.
Other names: c.801G>A (NM_003998.3); c.798G>A, p.Glu266= (NM_001165412.2, NM_001319226.2, NM_001382627.1); c.801G>A, p.Glu267= (NM_001382625.1, NM_001382626.1); c.759G>A, p.Glu253= (NM_001382628.1).
Identifiers: ClinVar variation 1960761 (VCV001960761.7), dbSNP rs1318228054, ClinGen allele CA440626153.